The following is an entry in ClinVar:

NM_001101.5(ACTB):c.839A>C (p.Asn280Thr)

Gene: ACTB (actin beta; minus strand). Cytogenetic location: 7p22.1.
Variant type: single nucleotide variant.
Coding change: c.839A>C on transcript NM_001101.5 (MANE Select); coding-DNA position 839, A replaced by C.
Protein change: p.Asn280Thr; replaces asparagine 280 with threonine.
Molecular consequence: missense variant.
Genome position (GRCh38, 1-based): chr7:5,528,149, T>G on the plus strand (A>C on the coding strand, the complement: ACTB is on the minus strand). VCF-style: chr7-5528149-T-G. GRCh37 (hg19) VCF-style: chr7-5567780-T-G.
Other names: short protein forms N280T.
Identifiers: ClinVar variation 3360405 (VCV003360405.2).
Genomic context (GRCh38, chr7:5,528,149, plus strand): 5'-GACAGCACTGTGTTGGCGTACAGGTCTTTGCGGATGTCCACGTCACACTTCATGATGGAG[T>G]TGAAGGTAGTTTCGTGGATGCCACAGGACTCCATGCCTGAGAGGGAAATGAGGGCAGGAC-3'
Protein context (NP_001092.1, residues 270-290): ESCGIHETTF[Asn280Thr]SIMKCDVDIR

ClinVar aggregate classification (germline): Uncertain significance. Review status: criteria provided, multiple submitters, no conflicts (2 of 4 stars). 2 submissions from 2 submitters: Uncertain significance (2). Last evaluated 2023-06-25.

Conditions:
Baraitser-Winter syndrome 1 (BRWS1). Also called: BARAITSER-WINTER SYNDROME 1, ATYPICAL; PACHYGYRIA, MENTAL RETARDATION, EPILEPSY, AND CHARACTERISTIC FACIES; MENTAL RETARDATION WITH EPILEPSY AND CHARACTERISTIC FACIES; Cerebrofrontofacial syndrome. Identifiers: Orphanet 2649, Orphanet 2995, MedGen C1855722, MONDO:0009470, OMIM 243310.

Submissions (2):

GeneDx
Classification: Uncertain significance. Last evaluated: 2023-06-25. Review status: criteria provided, single submitter. Criteria: GeneDx Variant Classification Process June 2021. Collection method: clinical testing. Allele origin: germline. Affected: yes.
Comment: Not observed at significant frequency in large population cohorts (gnomAD); Missense variants in this gene are often considered pathogenic (HGMD); In silico analysis supports that this missense variant has a deleterious effect on protein structure/function; Has not been previously published as pathogenic or benign to our knowledge; This variant is associated with the following publications: (PMID: 34862254)

Clinical Genomics Laboratory, Stanford Medicine
Classification: Uncertain significance for Baraitser-Winter syndrome 1. Last evaluated: 2022-11-29. Review status: criteria provided, single submitter. Criteria: ACMG Guidelines, 2015. Collection method: clinical testing. Allele origin: de novo. Observed: 1 variant allele, 1 heterozygote.
Comment: This variant was absent from large population databases, including the Genome Aggregation Database. The ACTB gene has fewer missense variants in the general population than expected. A low rate of missense variation may suggest that this gene is intolerant to missense variation. The asparagine at position 280 is strongly evolutionarily conserved. Computational tools predict that the p.Asn280Thr variant is deleterious; however, the accuracy of in silico algorithms is limited. These data were assessed using the ACMG/AMP variant interpretation guidelines. In summary, the significance of the p.Asn280Thr variant is uncertain. Additional information is needed to resolve the significance of this variant. [ACMG evidence codes used: PM2; PP2; PP3; PS2_Supporting]